The following is an entry in ClinVar:

ClinVar aggregate classification (germline): Uncertain significance. Review status: criteria provided, multiple submitters, no conflicts (2 of 4 stars). 2 submissions from 2 submitters: Uncertain significance (2). Last evaluated 2023-06-12.

Conditions:
Ullrich congenital muscular dystrophy 2 (UCMD2). Identifiers: Orphanet 75840, MedGen C4225314, MONDO:0014654, OMIM 616470.
Bethlem myopathy 2 (BTHLM2). Identifiers: Orphanet 536516, Orphanet 610, MedGen C4225313, MONDO:0034022, OMIM 616471.

Allele frequency attached by ClinVar (database versions not stated): gnomAD exomes below 0.00001; gnomAD 0.00001.
gnomAD v4.1: 4 of 1,613,536 alleles (0.00025%); highest among the groups gnomAD compares: South Asian, 0.0033%; no homozygotes.

Submissions (2):

GeneDx
Classification: Uncertain significance. Last evaluated: 2023-06-12. Review status: criteria provided, single submitter. Criteria: GeneDx Variant Classification Process June 2021. Collection method: clinical testing. Allele origin: germline. Affected: yes.
Comment: Has not been previously published as pathogenic or benign to our knowledge; Not observed at significant frequency in large population cohorts (gnomAD); In silico analysis supports that this missense variant does not alter protein structure/function

Labcorp Genetics (formerly Invitae), Labcorp
Classification: Uncertain significance for Bethlem myopathy 2; Ullrich congenital muscular dystrophy 2. Last evaluated: 2022-08-11. Review status: criteria provided, single submitter. Criteria: Invitae Variant Classification Sherloc (09022015). Collection method: clinical testing. Allele origin: germline.
Comment: In summary, the available evidence is currently insufficient to determine the role of this variant in disease. Therefore, it has been classified as a Variant of Uncertain Significance. Algorithms developed to predict the effect of missense changes on protein structure and function are either unavailable or do not agree on the potential impact of this missense change (SIFT: "Deleterious"; PolyPhen-2: "Possibly Damaging"; Align-GVGD: "Class C0"). This variant has not been reported in the literature in individuals affected with COL12A1-related conditions. This variant is present in population databases (no rsID available, gnomAD 0.003%). This sequence change replaces asparagine, which is neutral and polar, with serine, which is neutral and polar, at codon 2466 of the COL12A1 protein (p.Asn2466Ser).

NM_004370.6(COL12A1):c.7397A>G (p.Asn2466Ser)

Gene: COL12A1 (collagen type XII alpha 1 chain; minus strand). Cytogenetic location: 6q13.
Variant type: single nucleotide variant.
Coding change: c.7397A>G on transcript NM_004370.6 (MANE Select); coding-DNA position 7397, A replaced by G.
Protein change: p.Asn2466Ser; replaces asparagine 2466 with serine.
Molecular consequence: missense variant.
Genome position (GRCh38, 1-based): chr6:75,117,504, T>C on the plus strand (A>G on the coding strand, the complement: COL12A1 is on the minus strand). VCF-style: chr6-75117504-T-C. GRCh37 (hg19) VCF-style: chr6-75827220-T-C.
Other names: c.3905A>G, p.Asn1302Ser (NM_080645.3); c.7397A>G (NM_004370.5); short protein forms N1302S, N2466S.
Identifiers: ClinVar variation 2095289 (VCV002095289.5), dbSNP rs1437339736, ClinGen allele CA364746634.
Genomic context (GRCh38, chr6:75,117,504, plus strand): 5'-AAGTCGTCCACAATGAACACGTGCCGTTCACTTGGTTTGCTGGCAATGTTGGCAAGCTCA[T>C]TGTAGTCGACATCAGCCACACCAACTACAAAGACACTGAACCCTGCAAAGTAGCATTTAT-3'
Protein context (NP_004361.3, residues 2456-2476): FVVGVADVDY[Asn2466Ser]ELANIASKPS